The following is an entry in ClinVar:

NM_199420.4(POLQ):c.1922G>C (p.Gly641Ala)

Gene: POLQ (DNA polymerase theta; minus strand). Cytogenetic location: 3q13.33.
Variant type: single nucleotide variant.
Coding change: c.1922G>C on transcript NM_199420.4 (MANE Select); coding-DNA position 1922, G replaced by C.
Protein change: p.Gly641Ala; replaces glycine 641 with alanine.
Molecular consequence: missense variant.
Genome position (GRCh38, 1-based): chr3:121,509,598, C>G on the plus strand (G>C on the coding strand, the complement: POLQ is on the minus strand). VCF-style: chr3-121509598-C-G. GRCh37 (hg19) VCF-style: chr3-121228445-C-G.
Other names: short protein forms G641A.
Identifiers: ClinVar variation 3308629 (VCV003308629.1).

ClinVar aggregate classification (germline): Uncertain significance (1 of 4 stars; one submission).

Submission:

Ambry Genetics
Classification: Uncertain significance. Last evaluated: 2024-04-10. Review status: criteria provided, single submitter. Criteria: Ambry Variant Classification Scheme 2023. Collection method: clinical testing. Allele origin: germline.
Comment: The p.G641A variant (also known as c.1922G>C), located in coding exon 12 of the POLQ gene, results from a G to C substitution at nucleotide position 1922. The glycine at codon 641 is replaced by alanine, an amino acid with similar properties. This amino acid position is conserved. In addition, this alteration is predicted to be tolerated by in silico analysis. Based on the available evidence, the clinical significance of this variant remains unclear.